The following is an entry in ClinVar:

ClinVar aggregate classification (germline): Pathogenic/Likely pathogenic. Review status: criteria provided, multiple submitters, no conflicts (2 of 4 stars). 3 submissions from 3 submitters: Pathogenic (2); Likely pathogenic (1). Last evaluated 2026-01-27.

Conditions:
Pontocerebellar hypoplasia type 1B. Also called: EXOSC3 Pontocerebellar Hypoplasia. Identifiers: Orphanet 2254, MedGen C3553449, MONDO:0013853, OMIM 614678.

Submissions (3):

Labcorp Genetics (formerly Invitae), Labcorp
Classification: Pathogenic for Pontocerebellar hypoplasia type 1B. Last evaluated: 2026-01-27. Review status: criteria provided, single submitter. Criteria: Invitae Variant Classification Sherloc (09022015). Collection method: clinical testing. Allele origin: germline.
Comment: This sequence change creates a premature translational stop signal (p.Arg208delinsAsn*) in the EXOSC3 gene. While this is not anticipated to result in nonsense mediated decay, it is expected to disrupt the last 68 amino acid(s) of the EXOSC3 protein. This variant is present in population databases (no rsID available, gnomAD 0.0009%). This premature translational stop signal has been observed in individual(s) with clinical features of pontocerebellar hypoplasia (PMID: 38622473). ClinVar contains an entry for this variant (Variation ID: 594188). This variant disrupts a region of the EXOSC3 protein in which other variant(s) (p.Trp238Arg) have been determined to be pathogenic (PMID: 22544365, 27777260, 28053271). This suggests that this is a clinically significant region of the protein, and that variants that disrupt it are likely to be disease-causing. For these reasons, this variant has been classified as Pathogenic.

Fulgent Genetics
Classification: Likely pathogenic for Pontocerebellar hypoplasia type 1B. Last evaluated: 2024-02-13. Review status: criteria provided, single submitter. Criteria: ACMG Guidelines, 2015. Collection method: clinical testing. Allele origin: germline.

Eurofins Ntd Llc (ga)
Classification: Pathogenic. Last evaluated: 2017-09-21. Review status: criteria provided, single submitter. Criteria: EGL Classification Definitions 2015. Collection method: clinical testing. Allele origin: germline. Observed: 1 variant allele, 1 heterozygote.

Literature cited by the submitters: PubMed 38622473 (cited by Labcorp Genetics (formerly Invitae), Labcorp); PubMed 22544365 (cited by Labcorp Genetics (formerly Invitae), Labcorp); PubMed 27777260 (cited by Labcorp Genetics (formerly Invitae), Labcorp); PubMed 28053271 (cited by Labcorp Genetics (formerly Invitae), Labcorp).

NM_016042.4(EXOSC3):c.619_622dup (p.Arg208delinsAsnTer)

Gene: EXOSC3 (exosome component 3; minus strand). Cytogenetic location: 9p13.2.
Variant type: Duplication.
Coding change: c.619_622dup on transcript NM_016042.4 (MANE Select); coding-DNA positions 619 to 622, 4 bases duplicated (ATTA; older notation c.619_622dupATTA).
Protein change: p.Arg208delinsAsnTer.
Molecular consequence: nonsense. On other transcripts: intron variant (1).
Genome position (GRCh38, 1-based): chr9:37,781,990-37,781,993, TAAT duplicated on the plus strand (ATTA on the coding strand, the reverse complement: EXOSC3 is on the minus strand); duplicating any 4 consecutive bases within chr9:37,781,990-37,781,996 gives the same sequence; the c. name uses the placement nearest the transcript's 3' end. VCF-style (leftmost placement, unchanged base first): chr9-37781989-C-CTAAT. GRCh37 (hg19) VCF-style: chr9-37781986-C-CTAAT.
Other names: c.475-1113_475-1110dup (NM_001002269.2).
Identifiers: ClinVar variation 594188 (VCV000594188.8), dbSNP rs1160669103, ClinGen allele CA587827893.